The following is an entry in ClinVar:

ClinVar aggregate classification (germline): Pathogenic/Likely pathogenic. Review status: criteria provided, multiple submitters, no conflicts (2 of 4 stars). 8 submissions from 8 submitters: Pathogenic (4); Likely pathogenic (4). Last evaluated 2026-02-09.

Conditions:
SLC12A3-related disorder. Also called: SLC12A3-related condition.
Inborn genetic diseases. Identifiers: MedGen C0950123, MeSH D030342.
Familial hypokalemia-hypomagnesemia (GTLMNS). Also called: HYPOMAGNESEMIA-HYPOKALEMIA, PRIMARY RENOTUBULAR, WITH HYPOCALCIURIA; POTASSIUM AND MAGNESIUM DEPLETION; gitelman syndrome. Identifiers: Orphanet 358, MedGen C0268450, MONDO:0009904, OMIM 263800.

Allele frequency attached by ClinVar (database versions not stated): gnomAD 0.00005 and 0.00004; TOPMed 0.00005; ESP Exome Variant Server 0.00008; gnomAD exomes 0.00015; ExAC 0.00028.
gnomAD v4.1: 116 of 1,613,870 alleles (0.0072%); highest among the groups gnomAD compares: Non-Finnish European, 0.0079%; no homozygotes.

Submissions (8):

GeneDx
Classification: Likely pathogenic. Last evaluated: 2026-02-09. Review status: criteria provided, single submitter. Criteria: GeneDx Variant Classification Process June 2021. Collection method: clinical testing. Allele origin: germline. Affected: yes.
Comment: Observed in apparent homozygous state in a patient with Gitelman syndrome in published literature; however, this individual was also heterozygous for another SLC12A3 variant (PMID: 17654016); In silico analysis supports that this missense variant has a deleterious effect on protein structure/function; This variant is associated with the following publications: (PMID: 22934535, 31672324, 34746741, 17654016)

Natera, Inc.
Classification: Pathogenic for Gitelman syndrome. Last evaluated: 2025-06-26. Review status: criteria provided, single submitter. Criteria: Natera Variant Classification Schema (03/2026). Collection method: clinical testing. Allele origin: germline.
Comment: The c.434G>A variant in SLC12A3 is a missense variant predicted to cause substitution of arginine to histidine at amino acid 145. This variant is rare in the general population with a frequency below the threshold expected for the associated phenotype(s). This variant has been observed in one or more individuals affected with the associated recessive disease, as either homozygous or compound heterozygous with a second variant (PMID: 21415153, 22934535). A different variant at the same position has been determined to be Pathogenic or Likely Pathogenic. Computational prediction algorithms indicate this variant is likely to affect gene or protein function. Given the available evidence, this variant is classified as Pathogenic.

Blueprint Genetics
Classification: Pathogenic for SLC12A3-related disorders. Last evaluated: 2024-11-20. Review status: criteria provided, single submitter. Criteria: ACMG Guidelines, 2015. Collection method: clinical testing. Allele origin: germline. Affected: yes. Observed: 5 variant alleles.

Fulgent Genetics
Classification: Likely pathogenic for Familial hypokalemia-hypomagnesemia. Last evaluated: 2024-03-20. Review status: criteria provided, single submitter. Criteria: ACMG Guidelines, 2015. Collection method: clinical testing. Allele origin: germline.

Labcorp Genetics (formerly Invitae), Labcorp
Classification: Pathogenic. Last evaluated: 2024-01-26. Review status: criteria provided, single submitter. Criteria: Invitae Variant Classification Sherloc (09022015). Collection method: clinical testing. Allele origin: germline.
Comment: This sequence change replaces arginine, which is basic and polar, with histidine, which is basic and polar, at codon 145 of the SLC12A3 protein (p.Arg145His). This variant is present in population databases (rs374324018, gnomAD 0.03%). This missense change has been observed in individuals with clinical features of Gitelman syndrome (PMID: 17654016, 22934535, 31672324). ClinVar contains an entry for this variant (Variation ID: 631752). Advanced modeling of protein sequence and biophysical properties (such as structural, functional, and spatial information, amino acid conservation, physicochemical variation, residue mobility, and thermodynamic stability) performed at Invitae indicates that this missense variant is expected to disrupt SLC12A3 protein function with a positive predictive value of 95%. This variant disrupts the p.Arg145 amino acid residue in SLC12A3. Other variant(s) that disrupt this residue have been observed in individuals with SLC12A3-related conditions (PMID: 17329572, 31672324), which suggests that this may be a clinically significant amino acid residue. For these reasons, this variant has been classified as Pathogenic.

Ambry Genetics
Classification: Pathogenic for Inborn genetic diseases. Last evaluated: 2022-09-19. Review status: criteria provided, single submitter. Criteria: Ambry Variant Classification Scheme 2023. Collection method: clinical testing. Allele origin: germline.
Comment: The c.434G>A (p.R145H) alteration is located in exon 3 (coding exon 3) of the SLC12A3 gene. This alteration results from a G to A substitution at nucleotide position 434, causing the arginine (R) at amino acid position 145 to be replaced by a histidine (H). Based on data from gnomAD, the A allele has an overall frequency of 0.013% (38/282192) total alleles studied. The highest observed frequency was 0.026% (33/128856) of European (non-Finnish) alleles. This variant has been identified homozygous or in conjunction with a second ACADVL variant in multiple individuals with clinical features of Gitelman syndrome (Fava, 2007; Zhang, 2013; Hureaux, 2019; Pinto E Vairo, 2021). This amino acid position is highly conserved in available vertebrate species. This alteration is predicted to be deleterious by in silico analysis. Based on the available evidence, this alteration is classified as pathogenic.

Genome-Nilou Lab
Classification: Likely pathogenic for Familial hypokalemia-hypomagnesemia. Last evaluated: 2021-07-15. Review status: criteria provided, single submitter. Criteria: ACMG Guidelines, 2015. Collection method: clinical testing. Allele origin: germline. Affected: no.

Illumina Laboratory Services, Illumina
Classification: Likely pathogenic for Familial hypokalemia-hypomagnesemia. Last evaluated: 2018-10-22. Review status: criteria provided, single submitter. Criteria: ICSL Variant Classification Criteria 09 May 2019. Collection method: clinical testing. Allele origin: germline.
Comment: The SLC12A3 c.434G>A (p.Arg145His) variant has been reported in two studies and is found in a total of four probands. In one proband with Gitelman syndrome, the p.Arg145His variant was detected in a homozygous state, along with another missense variant in a heterozygous state (Fava et al. 2007). In three probands with hypokalemic salt-losing tubulopathy, the p.Arg145His variant was detected in a compound heterozygous state with a second missense variant (Zhang et al. 2013). The p.Arg145His variant was absent from 50 controls and is reported at a frequency of 0.0004711 in the European (non-Finnish) population of the Exome Aggregation Consortium. Based on the evidence, the p.Arg145His variant is therefore classified as likely pathogenic for Gitelman syndrome. This variant was observed by ICSL as part of a predisposition screen in an ostensibly healthy population.

Literature cited by the submitters: PubMed 21415153 (cited by Natera, Inc.); PubMed 22934535 (cited by 4 submitters); PubMed 17654016 (cited by 3 submitters); PubMed 31672324 (cited by Labcorp Genetics (formerly Invitae), Labcorp and Ambry Genetics); PubMed 17329572 (cited by Labcorp Genetics (formerly Invitae), Labcorp); PubMed 34746741 (cited by Ambry Genetics).

NM_001126108.2(SLC12A3):c.434G>A (p.Arg145His)

Gene: SLC12A3 (solute carrier family 12 member 3; plus strand). Cytogenetic location: 16q13.
Variant type: single nucleotide variant.
Coding change: c.434G>A on transcript NM_001126108.2 (MANE Select); coding-DNA position 434, G replaced by A.
Protein change: p.Arg145His; replaces arginine 145 with histidine.
Molecular consequence: missense variant.
Genome position (GRCh38, 1-based): chr16:56,868,301, G>A. VCF-style: chr16-56868301-G-A. GRCh37 (hg19) VCF-style: chr16-56902213-G-A.
Other names: c.434G>A, p.Arg145His (NM_000339.3); c.431G>A, p.Arg144His (NM_001126107.2); short protein forms R145H, R144H.
Identifiers: ClinVar variation 631752 (VCV000631752.23), dbSNP rs374324018, ClinGen allele CA8069035.
Genomic context (GRCh38, chr16:56,868,301, plus strand): 5'-GTCGTTTGGCCTTGGGGTGTCCACCCAGGTGGCCTCTGACCCCCCTGTCCTCCCAGATTC[G>A]TTGCATGCTCAACATTTGGGGCGTGATCCTCTACCTGCGGCTGCCCTGGATTACGGCCCA-3'
Protein context (NP_001119580.2, residues 135-155): RFGWVKGVMI[Arg145His]CMLNIWGVIL